The following is an entry in ClinVar:

ClinVar aggregate classification (germline): Uncertain significance (1 of 4 stars; one submission).

Conditions:
Kabuki syndrome. Also called: NIIKAWA-KUROKI SYNDROME; Kabuki make-up syndrome. Identifiers: Orphanet 2322, MedGen C0796004, MONDO:0016512.

Submission:

Labcorp Genetics (formerly Invitae), Labcorp
Classification: Uncertain significance for Kabuki syndrome. Last evaluated: 2024-02-16. Review status: criteria provided, single submitter. Criteria: Invitae Variant Classification Sherloc (09022015). Collection method: clinical testing. Allele origin: germline.
Comment: This sequence change replaces arginine, which is basic and polar, with threonine, which is neutral and polar, at codon 1923 of the KMT2D protein (p.Arg1923Thr). This variant is not present in population databases (gnomAD no frequency). This variant has not been reported in the literature in individuals affected with KMT2D-related conditions. Advanced modeling of protein sequence and biophysical properties (such as structural, functional, and spatial information, amino acid conservation, physicochemical variation, residue mobility, and thermodynamic stability) performed at Invitae indicates that this missense variant is not expected to disrupt KMT2D protein function with a negative predictive value of 95%. In summary, the available evidence is currently insufficient to determine the role of this variant in disease. Therefore, it has been classified as a Variant of Uncertain Significance.

NM_003482.4(KMT2D):c.5768G>C (p.Arg1923Thr)

Gene: KMT2D (lysine methyltransferase 2D; minus strand). Cytogenetic location: 12q13.12.
Variant type: single nucleotide variant.
Coding change: c.5768G>C on transcript NM_003482.4 (MANE Select); coding-DNA position 5768, G replaced by C.
Protein change: p.Arg1923Thr; replaces arginine 1923 with threonine.
Molecular consequence: missense variant.
Genome position (GRCh38, 1-based): chr12:49,042,755, C>G on the plus strand (G>C on the coding strand, the complement: KMT2D is on the minus strand). VCF-style: chr12-49042755-C-G. GRCh37 (hg19) VCF-style: chr12-49436538-C-G.
Other names: short protein forms R1923T.
Identifiers: ClinVar variation 3715657 (VCV003715657.2).
Genomic context (GRCh38, chr12:49,042,755, plus strand): 5'-GCAAGCTTGGTTATGTCAGTCTTCAGACCACTCCCACCTGTATTACCTTGAAGAAAGGGC[C>G]TCTGCAGTGGCGTACGGCTGCCTTCTAGGCCAGGGGTTCCACAACCCAGATGCTGTTCTC-3'
Protein context (NP_003473.3, residues 1913-1933): GLEGSRTPLQ[Arg1923Thr]PFLQGGLPLG